The following is an entry in ClinVar:

ClinVar aggregate classification (germline): Likely benign (1 of 4 stars; one submission).

Allele frequency attached by ClinVar (database versions not stated): gnomAD exomes 0.00002.
gnomAD v4.1: 14 of 1,613,992 alleles (0.00087%); highest among the groups gnomAD compares: Non-Finnish European, 0.0012%; no homozygotes.

Submission:

GeneDx
Classification: Likely benign. Last evaluated: 2018-04-26. Review status: criteria provided, single submitter. Criteria: GeneDx Variant Classification (06012015). Collection method: clinical testing. Allele origin: germline. Affected: yes.
Comment: This variant is considered likely benign or benign based on one or more of the following criteria: it is a conservative change, it occurs at a poorly conserved position in the protein, it is predicted to be benign by multiple in silico algorithms, and/or has population frequency not consistent with disease.

NM_000334.4(SCN4A):c.3576C>T (p.Thr1192=)

Genes: GH-LCR (growth hormone locus control region; plus strand), SCN4A (sodium voltage-gated channel alpha subunit 4; minus strand). Cytogenetic location: 17q23.3.
Variant type: single nucleotide variant.
Coding change: c.3576C>T on transcript NM_000334.4 (MANE Select); coding-DNA position 3576, C replaced by T.
Protein change: p.Thr1192=; no amino-acid change (threonine 1192 retained).
Molecular consequence: synonymous variant.
Genome position (GRCh38, 1-based): chr17:63,945,504, G>A on the plus strand (C>T on the coding strand, the complement: SCN4A is on the minus strand). VCF-style: chr17-63945504-G-A. GRCh37 (hg19) VCF-style: chr17-62022864-G-A.
Identifiers: ClinVar variation 682329 (VCV000682329.1), dbSNP rs1598406728, ClinGen allele CA501348671.